The following is an entry in ClinVar:

ClinVar aggregate classification (germline): Uncertain significance (1 of 4 stars; one submission).

Conditions:
Benign neonatal seizures. Also called: Benign familial neonatal seizures; Convulsions benign familial neonatal dominant form; Autosomal dominant form of benign neonatal seizures; Benign familial neonatal epilepsy; Benign neonatal familial convulsions. Identifiers: Orphanet 1949, MedGen C0220669, MONDO:0016027.

Submission:

Labcorp Genetics (formerly Invitae), Labcorp
Classification: Uncertain significance for Benign neonatal seizures. Last evaluated: 2016-10-24. Review status: criteria provided, single submitter. Criteria: Invitae Variant Classification Sherloc (09022015). Collection method: clinical testing. Allele origin: germline.
Comment: This sequence change replaces alanine with proline at codon 36 of the KCNQ3 protein (p.Ala36Pro). The alanine residue is weakly conserved and there is a small physicochemical difference between alanine and proline. This variant is not present in population databases (ExAC no frequency) and has not been reported in the literature in individuals with a KCNQ3-related disease. Algorithms developed to predict the effect of missense changes on protein structure and function (SIFT, PolyPhen-2, Align-GVGD) all suggest that this variant is likely to be tolerated, but these predictions have not been confirmed by published functional studies. In summary, this variant is a novel missense change that is not predicted to affect protein function. There is no indication that it causes disease, but the available evidence is currently insufficient to prove that conclusively. Therefore, it has been classified as a Variant of Uncertain Significance.

NM_004519.4(KCNQ3):c.105_106inv (p.Ala36Pro)

Gene: KCNQ3 (potassium voltage-gated channel subfamily Q member 3; minus strand). Cytogenetic location: 8q24.22.
Variant type: Inversion.
Coding change: c.105_106inv on transcript NM_004519.4 (MANE Select).
Protein change: p.Ala36Pro; replaces alanine 36 with proline.
Molecular consequence: missense variant.
Genome position: GRCh38 VCF-style: chr8-132480427-CC-GG. GRCh37 (hg19) VCF-style: chr8-133492674-CC-GG.
Other names: short protein forms A36P.
Identifiers: ClinVar variation 405215 (VCV000405215.7), ClinGen allele CA16612472.
Genomic context (GRCh38, chr8:132,480,427, plus strand): 5'-CCAAGGTGACTTGCTCCACGTCGCCGGGCGCCAGCCCCACTTTCCGCTCCTCGTCGCCGG[CC>GG]GCCGCCGCGTCCCCTCCGGCTGGGTTAGCCGCCCCGCCGCCTCCGCCGCCCCCGTCGCCG-3'
Protein context (NP_004510.1, residues 26-46): ANPAGGDAAA[Ala36Pro]GDEERKVGLA